The following is an entry in ClinVar:

NM_000436.4(OXCT1):c.873dup (p.Ala292fs)

Gene: OXCT1 (3-oxoacid CoA-transferase 1; minus strand). Cytogenetic location: 5p13.1.
Variant type: Duplication.
Coding change: c.873dup on transcript NM_000436.4 (MANE Select); coding-DNA position 873, one base duplicated (A; older notation c.873dupA).
Protein change: p.Ala292fs; shifts the reading frame from alanine 292.
Molecular consequence: frameshift variant. On other transcripts: non-coding transcript variant (1).
Genome position (GRCh38, 1-based): chr5:41,805,649, T duplicated on the plus strand (A on the coding strand, the reverse complement: OXCT1 is on the minus strand); the first of 2 consecutive T bases (chr5:41,805,649-41,805,650); duplicating either gives the same sequence. VCF-style (leftmost placement, unchanged base first): chr5-41805648-C-CT. GRCh37 (hg19) VCF-style: chr5-41805750-C-CT.
Other names: c.894dup, p.Ala299fs (NM_001364299.2, NM_001364300.2); c.867dup, p.Ala290fs (NM_001364301.2); c.873dup, p.Ala292fs (NM_001364302.2); c.315dup, p.Ala106fs (NM_001364303.2); c.873dupA (NM_000436.3); short protein forms A290fs, A292fs, A106fs, A299fs.
Identifiers: ClinVar variation 2115740 (VCV002115740.5), dbSNP rs2478601239, ClinGen allele CA2580073293.

ClinVar aggregate classification (germline): Pathogenic/Likely pathogenic. Review status: criteria provided, multiple submitters, no conflicts (2 of 4 stars). 2 submissions from 2 submitters: Pathogenic (1); Likely pathogenic (1). Last evaluated 2023-03-31.

Conditions:
Succinyl-CoA acetoacetate transferase deficiency (SCOTD). Also called: 3-Oxoacid CoA Transferase Deficiency; KETOACIDOSIS DUE TO SCOT DEFICIENCY; SCOT DEFICIENCY; SUCCINYL-CoA:3-KETOACID CoA-TRANSFERASE DEFICIENCY; Succinyl CoA:3-oxoacid CoA transferase deficiency. Identifiers: Orphanet 832, MedGen C0342792, MONDO:0009492, OMIM 245050.
OXCT1-related disorder. Also called: OXCT1-related condition.

Submissions (2):

PreventionGenetics, part of Exact Sciences
Classification: Likely pathogenic for OXCT1-related condition. Last evaluated: 2023-03-31. Review status: criteria provided, single submitter. Criteria: ACMG Guidelines, 2015. Collection method: clinical testing. Allele origin: germline.
Comment: The OXCT1 c.873dupA variant is predicted to result in a frameshift and premature protein termination (p.Ala292Serfs*5). To our knowledge, this variant has not been reported in the literature or in a large population database, indicating it is rare. Frameshift variants in OXCT1 are expected to be pathogenic. Therefore, this variant is interpreted as likely pathogenic.

Labcorp Genetics (formerly Invitae), Labcorp
Classification: Pathogenic for Succinyl-CoA acetoacetate transferase deficiency. Last evaluated: 2022-03-22. Review status: criteria provided, single submitter. Criteria: Invitae Variant Classification Sherloc (09022015). Collection method: clinical testing. Allele origin: germline.
Comment: This sequence change creates a premature translational stop signal (p.Ala292Serfs*5) in the OXCT1 gene. It is expected to result in an absent or disrupted protein product. Loss-of-function variants in OXCT1 are known to be pathogenic (PMID: 8751852). For these reasons, this variant has been classified as Pathogenic. This variant has not been reported in the literature in individuals affected with OXCT1-related conditions. This variant is not present in population databases (gnomAD no frequency).

Literature cited by the submitters: PubMed 8751852 (cited by Labcorp Genetics (formerly Invitae), Labcorp).